The following is an entry in ClinVar:

NM_000545.8(HNF1A):c.733G>A (p.Gly245Arg)

Gene: HNF1A (HNF1 homeobox A; plus strand). Cytogenetic location: 12q24.31.
Variant type: single nucleotide variant.
Coding change: c.733G>A on transcript NM_000545.8 (MANE Select); coding-DNA position 733, G replaced by A.
Protein change: p.Gly245Arg; replaces glycine 245 with arginine.
Molecular consequence: missense variant.
Genome position (GRCh38, 1-based): chr12:120,994,183, G>A. VCF-style: chr12-120994183-G-A. GRCh37 (hg19) VCF-style: chr12-121431986-G-A.
Other names: NM_001306179.1:c.733G>A; c.733G>A, p.Gly245Arg (NM_001306179.2); short protein forms G245R.
Identifiers: ClinVar variation 1526008 (VCV001526008.6), dbSNP rs2135841196, ClinGen allele CA386965841.

ClinVar aggregate classification (germline): Uncertain significance. Review status: reviewed by expert panel (3 of 4 stars). 2 submissions from 2 submitters: Uncertain significance (1). 1 of the submissions does not count toward it. Last evaluated 2025-07-24.

Conditions:
Monogenic diabetes. Identifiers: Orphanet 183625, MedGen C3888631, MONDO:0015967.
Maturity-onset diabetes of the young (MODY). Also called: Maturity onset diabetes mellitus in young. Identifiers: Orphanet 552, MedGen C0342276, MONDO:0018911, HP:0004904.

Submissions (2):

ClinGen Monogenic Diabetes Variant Curation Expert Panel
Classification: Uncertain significance for Monogenic diabetes. Last evaluated: 2025-07-24. Review status: reviewed by expert panel. Criteria: ClinGen Diabetes ACMG Specifications HNF1A V3.0.0. Collection method: curation. Allele origin: germline. Inheritance: Autosomal dominant inheritance.
Comment: The c.733G>A variant in the HNF1 homeobox A gene, HNF1A, causes an amino acid change of glycine to arginine at codon 245 (p.Gly245Arg) of NM_000545.8. This variant is located within a conserved region of the DNA binding domain (codons 107-174 and 201-280) of HNF1A, which is defined as critical for the protein’s function by the ClinGen MDEP (PM1_Supporting). This variant is also absent from gnomAD v2.1.1 and v4.1.0 (PM2_Supporting). This variant is predicted to be deleterious by computational evidence, with a REVEL score of 0.962, which is greater than the MDEP VCEP threshold of 0.70 (PP3). Functional studies demonstrated the p.Gly245Arg protein has normal DNA binding but ~55% of transactivation activity and ~55% of nuclear localization compared to wildtype; however, this is between the ClinGen MDEP cutoffs for PS3 and BS3 (PMID: 28653443). Another missense variant, c.734C>T (p.Gly245Val), has been classified as a VUS by the ClinGen MDEP; therefore, PM5 will not be applied. In summary, c.733G>A meets the criteria to be classified as a variant of uncertain significance for monogenic diabetes. ACMG/AMP criteria applied, as specified by the ClinGen MDEP (specification version 3.0.0, approved 6/30/2025): PM1_Supporting, PM2_Supporting, PP3.

Molecular Genetics, Madras Diabetes Research Foundation
Classification: Uncertain significance for Maturity-onset diabetes of the young. Review status: criteria provided, single submitter. Criteria: ACMG Guidelines, 2015. Collection method: clinical testing. Allele origin: germline. Affected: yes. Not counted in ClinVar's aggregate classification.

Literature cited by the submitters: PubMed 28653443 (cited by ClinGen Monogenic Diabetes Variant Curation Expert Panel); PubMed 19336507 (cited by ClinGen Monogenic Diabetes Variant Curation Expert Panel and Molecular Genetics, Madras Diabetes Research Foundation); PubMed 28653433 (cited by ClinGen Monogenic Diabetes Variant Curation Expert Panel); PubMed 26853433 (cited by Molecular Genetics, Madras Diabetes Research Foundation).